The following is an entry in ClinVar:

ClinVar aggregate classification (germline): Uncertain significance (1 of 4 stars; one submission).

Submission:

Labcorp Genetics (formerly Invitae), Labcorp
Classification: Uncertain significance. Last evaluated: 2025-10-06. Review status: criteria provided, single submitter. Criteria: Invitae Variant Classification Sherloc (09022015). Collection method: clinical testing. Allele origin: germline.
Comment: This sequence change replaces lysine, which is basic and polar, with arginine, which is basic and polar, at codon 158 of the HNF1A protein (p.Lys158Arg). This variant is not present in population databases (gnomAD no frequency). This variant has not been reported in the literature in individuals affected with HNF1A-related conditions. Invitae Evidence Modeling of protein sequence and biophysical properties (such as structural, functional, and spatial information, amino acid conservation, physicochemical variation, residue mobility, and thermodynamic stability) indicates that this missense variant is not expected to disrupt HNF1A protein function with a negative predictive value of 80%. In summary, the available evidence is currently insufficient to determine the role of this variant in disease. Therefore, it has been classified as a Variant of Uncertain Significance.

NM_000545.8(HNF1A):c.473A>G (p.Lys158Arg)

Gene: HNF1A (HNF1 homeobox A; plus strand). Cytogenetic location: 12q24.31.
Variant type: single nucleotide variant.
Coding change: c.473A>G on transcript NM_000545.8 (MANE Select); coding-DNA position 473, A replaced by G.
Protein change: p.Lys158Arg; replaces lysine 158 with arginine.
Molecular consequence: missense variant.
Genome position (GRCh38, 1-based): chr12:120,988,979, A>G. VCF-style: chr12-120988979-A-G. GRCh37 (hg19) VCF-style: chr12-121426782-A-G.
Other names: c.473A>G, p.Lys158Arg (NM_001306179.2, NM_001406915.1); short protein forms K158R.
Identifiers: ClinVar variation 4737521 (VCV004737521.1).